The following is an entry in ClinVar:

NM_000478.6(ALPL):c.1270G>A (p.Val424Met)

Gene: ALPL (alkaline phosphatase, biomineralization associated; plus strand). Cytogenetic location: 1p36.12.
Variant type: single nucleotide variant.
Coding change: c.1270G>A on transcript NM_000478.6 (MANE Select); coding-DNA position 1270, G replaced by A.
Protein change: p.Val424Met; replaces valine 424 with methionine.
Molecular consequence: missense variant.
Genome position (GRCh38, 1-based): chr1:21,576,602, G>A. VCF-style: chr1-21576602-G-A. GRCh37 (hg19) VCF-style: chr1-21903095-G-A.
Other names: c.1105G>A, p.Val369Met (NM_001127501.4); c.1039G>A, p.Val347Met (NM_001177520.3); c.1270G>A, p.Val424Met (NM_001369803.2, NM_001369804.2, NM_001369805.2); short protein forms V347M, V369M, V424M.
Identifiers: ClinVar variation 4086885 (VCV004086885.1).
Genomic context (GRCh38, chr1:21,576,602, plus strand): 5'-GACACAGACAAGAAGCCCTTCACTGCCATCCTGTATGGCAATGGGCCTGGCTACAAGGTG[G>A]TGGGCGGTGAACGAGAGAATGTCTCCATGGTGGACTATGGTGAGACCTCCAGGACCCAGG-3'
Protein context (NP_000469.3, residues 414-434): LYGNGPGYKV[Val424Met]GGERENVSMV

ClinVar aggregate classification (germline): Uncertain significance (1 of 4 stars; one submission).

Conditions:
Hypophosphatasia. Also called: Phosphoethanol-aminuria. Identifiers: Orphanet 436, MedGen C0020630, MeSH D007014, MONDO:0018570.

gnomAD v4.1: 2 of 1,613,900 alleles (0.00012%); highest among the groups gnomAD compares: Non-Finnish European, 0.00017%; no homozygotes.

Submission:

Genomenon, Inc
Classification: Uncertain significance for Hypophosphatasia. Last evaluated: 2025-08-29. Review status: criteria provided, single submitter. Criteria: Genomenon Sequence Variant Interpretation Standards. Collection method: curation. Allele origin: germline. Affected: yes.
Comment: ALPL Val424Met (c.1270G>A) is a missense variant that changes the amino acid at residue 424 from Valine to Methionine. This variant has been observed in at least one proband affected with hypophosphatasia (PMID:23791648). Functional studies have been reported;however, the significance of the findings remain unclear and/or were performed in patient cells (PMID:32160374). It is absent or not present at a significant frequency in gnomAD. In silico models agree that this variant is possibly or probably damaging. In conclusion, we classify ALPL p.Val424Met (c.1270G>A) as a variant of unknown significance.

Literature cited by the submitters: PubMed 23791648; PubMed 32160374.